The following is an entry in ClinVar:

NM_016507.4(CDK12):c.1585C>T (p.Leu529Phe)

Gene: CDK12 (cyclin dependent kinase 12; plus strand). Cytogenetic location: 17q12.
Variant type: single nucleotide variant.
Coding change: c.1585C>T on transcript NM_016507.4 (MANE Select); coding-DNA position 1585, C replaced by T.
Protein change: p.Leu529Phe; replaces leucine 529 with phenylalanine.
Molecular consequence: missense variant.
Genome position (GRCh38, 1-based): chr17:39,471,417, C>T. VCF-style: chr17-39471417-C-T. GRCh37 (hg19) VCF-style: chr17-37627670-C-T.
Other names: c.1585C>T, p.Leu529Phe (NM_015083.4); short protein forms L529F.
Identifiers: ClinVar variation 3999337 (VCV003999337.1).

ClinVar aggregate classification (germline): Uncertain significance (1 of 4 stars; one submission).

gnomAD v4.1: 5 of 1,613,790 alleles (0.00031%); highest among the groups gnomAD compares: Admixed American, 0.0017%; no homozygotes.

Submission:

Ambry Genetics
Classification: Uncertain significance. Last evaluated: 2025-04-11. Review status: criteria provided, single submitter. Criteria: Ambry Variant Classification Scheme 2023. Collection method: clinical testing. Allele origin: germline.
Comment: The p.L529F variant (also known as c.1585C>T), located in coding exon 2 of the CDK12 gene, results from a C to T substitution at nucleotide position 1585. The leucine at codon 529 is replaced by phenylalanine, an amino acid with highly similar properties. This amino acid position is conserved. In addition, this alteration is predicted to be tolerated by in silico analysis. Based on the available evidence, the clinical significance of this variant remains unclear.